The following is an entry in ClinVar:

NM_000967.4(RPL3):c.366-70C>T

Gene: RPL3 (ribosomal protein L3; minus strand). Cytogenetic location: 22q13.1.
Variant type: single nucleotide variant.
Coding change: c.366-70C>T on transcript NM_000967.4 (MANE Select); 70 bases into the intron before coding-DNA position 366, C replaced by T.
Molecular consequence: intron variant.
Genome position (GRCh38, 1-based): chr22:39,316,911, G>A on the plus strand (C>T on the coding strand, the complement: RPL3 is on the minus strand). VCF-style: chr22-39316911-G-A. GRCh37 (hg19) VCF-style: chr22-39712916-G-A.
Other names: c.366-70C>T (NM_001033853.2).
Identifiers: ClinVar variation 2653147 (VCV002653147.24), dbSNP rs146588057, ClinGen allele CA10240847.
Genomic context (GRCh38, chr22:39,316,911, plus strand): 5'-CAGAGCAGAGTTGGGGAGGGGACCAGGTGCAGGCCTTCATCACCCCTCCGAGGGGTGAGC[G>A]GAAGGCACACTGGCACCGCGTGGGGATGGAGCTCATTGCCGGCTTCTAAGGAGCCTTTTC-3'

ClinVar aggregate classification (germline): Benign (1 of 4 stars; one submission).

Allele frequency attached by ClinVar (database versions not stated): 1000 Genomes Project 0.00280; 1000 Genomes Project 30x 0.00297; TOPMed 0.00526; gnomAD 0.00538; ExAC 0.00551.
gnomAD v4.1: 13,161 of 1,607,250 alleles (0.82%); highest among the groups gnomAD compares: Non-Finnish European, 1%; 77 homozygotes.

Submission:

CeGaT Center for Human Genetics Tuebingen
Classification: Benign. Last evaluated: 2022-12-01. Review status: criteria provided, single submitter. Criteria: CeGaT Center For Human Genetics Tuebingen Variant Classification Criteria Version 2. Collection method: clinical testing. Allele origin: germline. Affected: yes. Observed: 1 variant allele.
Comment: RPL3: BS1, BS2